The following is an entry in ClinVar:

ClinVar aggregate classification (germline): Uncertain significance. Review status: reviewed by expert panel (3 of 4 stars). 7 submissions from 7 submitters: Uncertain significance (1). 6 of the submissions do not count toward it. Last evaluated 2026-01-04.

Conditions:
Hereditary cancer-predisposing syndrome. Also called: Hereditary Cancer Syndrome; Tumor predisposition; Hereditary neoplastic syndrome; Neoplastic Syndromes, Hereditary. Identifiers: Orphanet 140162, MedGen C0027672, MeSH D009386, MONDO:0015356.
BRCA2-related cancer predisposition. Identifiers: MedGen CN377758, MONDO:0700269.
Familial cancer of breast. Also called: Hereditary breast cancer; BREAST CANCER, FAMILIAL; hereditary breast carcinoma. Identifiers: Orphanet 227535, MedGen C0346153, MONDO:0016419, OMIM 114480. Disease mechanism: loss of function.
Breast-ovarian cancer, familial, susceptibility to, 2 (BROVCA2). Also called: BRCA2 Hereditary Breast and Ovarian Cancer. Identifiers: Orphanet 145, MedGen C2675520, MONDO:0012933, OMIM 612555. Disease mechanism: loss of function.
Hereditary breast ovarian cancer syndrome. Also called: Hereditary breast and ovarian cancer syndrome; Hereditary breast and/or ovarian cancer syndrome; Hereditary breast and ovarian cancer syndrome (HBOC); Hereditary breast and ovarian cancer; Breast and ovarian cancer; BRCA1- and BRCA2-Associated Hereditary Breast and Ovarian Cancer. Identifiers: Orphanet 145, MedGen C0677776, MeSH D061325, MONDO:0003582. Disease mechanism: loss of function.

Submissions (7):

ClinGen ENIGMA BRCA1 and BRCA2 Variant Curation Expert Panel, ClinGen
Classification: Uncertain significance for BRCA2-related cancer predisposition. Last evaluated: 2026-01-04. Review status: reviewed by expert panel. Criteria: CSpec BRCA12ACMG Rules Specifications V1.1. Collection method: curation. Allele origin: germline. Inheritance: Autosomal dominant inheritance.
Comment: The c.9372C>A variant in BRCA2 is a missense variant predicted to cause substitution of Asparagine by Lysine at amino acid 3124 (p.(Asn3124Lys)). This variant is absent from gnomAD v2.1 (exomes only, non-cancer subset, read depth ≥25) and gnomAD v3.1 (non-cancer subset, read depth ≥25) (PM2_Supporting met). Reported by two calibrated studies to exhibit protein function similar to pathogenic control variants (PMIDs:38417439, 39779857) (PS3 met). This BRCA2 missense variant is within a key functional domain and the computational predictor BayesDel (noAF) gives a score of 0.0006, which is below the recommended threshold of 0.18 for predicting no impact on BRCA2 via protein change. A SpliceAI score of 0 predicts no impact on splicing (score threshold <0.10) (BP4 met). In summary, this variant meets the criteria to be classified as a Variant of uncertain significance for BRCA2-related cancer predisposition based on the ACMG/AMP criteria applied as specified by the ENIGMA BRCA1/2 VCEP (PM2_Supporting, PS3, BP4).

Ambry Genetics
Classification: Uncertain significance for Hereditary cancer-predisposing syndrome. Last evaluated: 2026-04-13. Review status: criteria provided, single submitter. Criteria: Ambry Variant Classification Scheme 2023. Collection method: clinical testing. Allele origin: germline. Not counted in ClinVar's aggregate classification.
Comment: The p.N3124K variant (also known as c.9372C>A), located in coding exon 24 of the BRCA2 gene, results from a C to A substitution at nucleotide position 9372. The asparagine at codon 3124 is replaced by lysine, an amino acid with similar properties. This variant had deleterious impact on function in a homology-directed DNA repair (HDR) assay (Hu, C. et al. Clin Cancer Res. 2022 Jun.; Hart SN et al. Genet Med, 2019 01;21:71-80). A saturation genome editing-based study using a haploid cell-survival assay demonstrates that this nucleotide substitution is non-functional (Huang H et al. Nature. 2025 Feb;638(8050):528-537).This amino acid position is highly conserved in available vertebrate species. In addition, the in silico prediction for this alteration is inconclusive. Based on the available evidence, the clinical significance of this variant remains unclear.

Labcorp Genetics (formerly Invitae), Labcorp
Classification: Likely pathogenic for Hereditary breast ovarian cancer syndrome. Last evaluated: 2025-05-05. Review status: criteria provided, single submitter. Criteria: Invitae Variant Classification Sherloc (09022015). Collection method: clinical testing. Allele origin: germline. Not counted in ClinVar's aggregate classification.
Comment: This sequence change replaces asparagine, which is neutral and polar, with lysine, which is basic and polar, at codon 3124 of the BRCA2 protein (p.Asn3124Lys). This variant is not present in population databases (gnomAD no frequency). This variant has not been reported in the literature in individuals affected with BRCA2-related conditions. ClinVar contains an entry for this variant (Variation ID: 462524). Invitae Evidence Modeling of protein sequence and biophysical properties (such as structural, functional, and spatial information, amino acid conservation, physicochemical variation, residue mobility, and thermodynamic stability) indicates that this missense variant is not expected to disrupt BRCA2 protein function with a negative predictive value of 95%. Experimental studies have shown that this missense change affects BRCA2 function (PMID: 29884841). This variant disrupts the p.Asn3124 amino acid residue in BRCA2. Other variant(s) that disrupt this residue have been determined to be pathogenic (PMID: 22678057, 23108138, 24728577, 25085752). This suggests that this residue is clinically significant, and that variants that disrupt this residue are likely to be disease-causing. In summary, the currently available evidence indicates that the variant is pathogenic, but additional data are needed to prove that conclusively. Therefore, this variant has been classified as Likely Pathogenic.

Baylor Genetics
Classification: Uncertain significance for Familial cancer of breast. Last evaluated: 2023-11-30. Review status: criteria provided, single submitter. Criteria: ACMG Guidelines, 2015. Collection method: clinical testing. Allele origin: unknown. Not counted in ClinVar's aggregate classification.

Clinical Genetics Laboratory, Skane University Hospital Lund
Classification: Likely pathogenic. Last evaluated: 2022-05-27. Review status: criteria provided, single submitter. Criteria: ACMG Guidelines, 2015. Collection method: clinical testing. Allele origin: germline. Affected: yes. Not counted in ClinVar's aggregate classification.

GeneDx
Classification: Uncertain significance. Last evaluated: 2016-03-21. Review status: criteria provided, single submitter. Criteria: GeneDx Variant Classification Process June 2021. Collection method: clinical testing. Allele origin: germline. Affected: yes. Not counted in ClinVar's aggregate classification.
Comment: Not observed in large population cohorts (Lek et al., 2016); This variant is associated with the following publications: (PMID: 29884841)

BRCAlab, Lund University
Classification: Uncertain significance for Breast-ovarian cancer, familial, susceptibility to, 2. Last evaluated: 2020-03-02. Review status: no assertion criteria provided. Collection method: clinical testing. Allele origin: germline. Affected: yes. Not counted in ClinVar's aggregate classification.

Literature cited by the submitters: PubMed 35736817 (cited by Ambry Genetics); PubMed 39779857 (cited by Ambry Genetics); PubMed 29884841 (cited by Labcorp Genetics (formerly Invitae), Labcorp); PubMed 22678057 (cited by Labcorp Genetics (formerly Invitae), Labcorp); PubMed 23108138 (cited by Labcorp Genetics (formerly Invitae), Labcorp); PubMed 24728577 (cited by Labcorp Genetics (formerly Invitae), Labcorp); PubMed 25085752 (cited by Labcorp Genetics (formerly Invitae), Labcorp).

NM_000059.4(BRCA2):c.9372C>A (p.Asn3124Lys)

Gene: BRCA2 (BRCA2 DNA repair associated; plus strand). Cytogenetic location: 13q13.1.
Variant type: single nucleotide variant.
Coding change: c.9372C>A on transcript NM_000059.4 (MANE Select); coding-DNA position 9372, C replaced by A.
Protein change: p.Asn3124Lys; replaces asparagine 3124 with lysine.
Molecular consequence: missense variant.
Genome position (GRCh38, 1-based): chr13:32,394,804, C>A. VCF-style: chr13-32394804-C-A. GRCh37 (hg19) VCF-style: chr13-32968941-C-A.
Other names: NM_000059.4(BRCA2):c.9372C>A; p.Asn3124Lys; short protein forms N3124K.
Identifiers: ClinVar variation 462524 (VCV000462524.17), dbSNP rs1420566833, ClinGen allele CA387761213.